The following is an entry in ClinVar:

NM_001382567.1(STIM1):c.105C>T (p.Ser35=)

Gene: STIM1 (stromal interaction molecule 1; plus strand). Cytogenetic location: 11p15.4.
Variant type: single nucleotide variant.
Coding change: c.105C>T on transcript NM_001382567.1 (MANE Select); coding-DNA position 105, C replaced by T.
Protein change: p.Ser35=; no amino-acid change (serine 35 retained).
Molecular consequence: synonymous variant. On other transcripts: missense variant (1), 5 prime UTR variant (1), non-coding transcript variant (3), intron variant (10).
Genome position (GRCh38, 1-based): chr11:3,856,375, C>T. VCF-style: chr11-3856375-C-T. GRCh37 (hg19) VCF-style: chr11-3877605-C-T.
Other names: c.105C>T, p.Ser35= (NM_001277961.3, NM_001277962.2, NM_001382568.1 and 3 more transcripts); c.101C>T, p.Ala34Val (NM_001382569.1); c.-133C>T (NM_001382571.1); c.-84+1639C>T (NM_001382578.1, NM_001382575.1, NM_001382574.1); c.-220+1639C>T (NM_001382580.1, NM_001382581.1); c.-84+1721C>T (NM_001382576.1); c.-84+959C>T (NM_001382566.1, NM_001382579.1, NM_001382577.1 and 1 more transcripts); short protein forms A34V.
Identifiers: ClinVar variation 706295 (VCV000706295.36), dbSNP rs139540641, ClinGen allele CA5830118.

ClinVar aggregate classification (germline): Likely benign. Review status: criteria provided, multiple submitters, no conflicts (2 of 4 stars). 3 submissions from 3 submitters: Likely benign (3). Last evaluated 2026-02-20.

Conditions:
STIM1-related disorder. Also called: STIM1-related condition.
Combined immunodeficiency due to STIM1 deficiency. Also called: STIM1 DEFICIENCY; IMMUNODEFICIENCY 10. Identifiers: Orphanet 169090, Orphanet 317430, MedGen C2748557, MONDO:0013008, OMIM 612783.
Myopathy with tubular aggregates (TAM). Also called: Tubular Aggregate Myopathy. Identifiers: Orphanet 2593, MedGen C0410207, MONDO:0008051.
Stormorken syndrome (STRMK). Also called: THROMBOCYTOPATHY, ASPLENIA, AND MIOSIS. Identifiers: Orphanet 3204, MedGen C1861451, MONDO:0008497, OMIM 185070.

Allele frequency attached by ClinVar (database versions not stated): gnomAD exomes 0.00009; ExAC 0.00010; gnomAD 0.00011 and 0.00012; ESP Exome Variant Server 0.00015; TOPMed 0.00012.
gnomAD v4.1: 328 of 1,614,062 alleles (0.02%); highest among the groups gnomAD compares: Non-Finnish European, 0.027%; no homozygotes.

Submissions (3):

PreventionGenetics, part of Exact Sciences
Classification: Likely benign for STIM1-related condition. Last evaluated: 2026-02-20. Review status: criteria provided, single submitter. Criteria: ACMG Guidelines, 2015. Collection method: clinical testing. Allele origin: germline.
Comment: This variant is classified as likely benign based on ACMG/AMP sequence variant interpretation guidelines (Richards et al. 2015 PMID: 25741868, with internal and published modifications).

Labcorp Genetics (formerly Invitae), Labcorp
Classification: Likely benign for Myopathy with tubular aggregates; Combined immunodeficiency due to STIM1 deficiency; Stormorken syndrome. Last evaluated: 2025-10-26. Review status: criteria provided, single submitter. Criteria: Invitae Variant Classification Sherloc (09022015). Collection method: clinical testing. Allele origin: germline.

CeGaT Center for Human Genetics Tuebingen
Classification: Likely benign. Last evaluated: 2022-09-01. Review status: criteria provided, single submitter. Criteria: CeGaT Center For Human Genetics Tuebingen Variant Classification Criteria Version 2. Collection method: clinical testing. Allele origin: germline. Affected: yes. Observed: 1 variant allele.
Comment: STIM1: BP4, BP7